The following is an entry in ClinVar:

ClinVar aggregate classification (germline): Benign. Review status: criteria provided, multiple submitters, no conflicts (2 of 4 stars). 2 submissions from 2 submitters: Benign (2). Last evaluated 2018-01-13.

Conditions:
Autosomal recessive nonsyndromic hearing loss 29. Identifiers: Orphanet 90636, MedGen C3279660, MONDO:0013537, OMIM 614035.

Allele frequency attached by ClinVar (database versions not stated): gnomAD exomes 0.20000; gnomAD 0.34011 and 0.34950; 1000 Genomes Project 0.34824; 1000 Genomes Project 30x 0.35056; TOPMed 0.35621.
gnomAD v4.1: 51,756 of 152,130 alleles (34%); highest among the groups gnomAD compares: African/African-American, 61%; 10,934 homozygotes.

Submissions (2):

Illumina Laboratory Services, Illumina
Classification: Benign for Autosomal recessive nonsyndromic hearing loss 29. Last evaluated: 2018-01-13. Review status: criteria provided, single submitter. Criteria: ICSL Variant Classification Criteria 13 December 2019. Collection method: clinical testing. Allele origin: germline.
Comment: This variant was observed in the ICSL laboratory as part of a predisposition screen in an ostensibly healthy population. It had not been previously curated by ICSL or reported in the Human Gene Mutation Database (HGMD: prior to June 1st, 2018), and was therefore a candidate for classification through an automated scoring system. Utilizing variant allele frequency, disease prevalence and penetrance estimates, and inheritance mode, an automated score was calculated to assess if this variant is too frequent to cause the disease. Based on the score and internal cut-off values, a variant classified as benign is not then subjected to further curation. The score for this variant resulted in a classification of benign for this disease.

Breakthrough Genomics
Classification: Benign. Review status: criteria provided, single submitter. Criteria: ACMG Guidelines, 2015. Collection method: not provided. Allele origin: germline. Inheritance: Autosomal recessive inheritance. Affected: yes.

NM_001146079.2(CLDN14):c.-264G>C

Genes: CLDN14-AS1 (CLDN14 antisense RNA 1; plus strand), CLDN14 (claudin 14; minus strand). Cytogenetic location: 21q22.13.
Variant type: single nucleotide variant.
Coding change: c.-264G>C on transcript NM_001146079.2 (MANE Select); 264 bases upstream of the start codon, G replaced by C.
Molecular consequence: 5 prime UTR variant. On other transcripts: intron variant (2).
Genome position (GRCh38, 1-based): chr21:36,479,677, C>G on the plus strand (G>C on the coding strand, the complement: CLDN14 is on the minus strand). VCF-style: chr21-36479677-C-G. GRCh37 (hg19) VCF-style: chr21-37851975-C-G.
Other names: c.-454G>C (NM_144492.3); c.-81-17901G>C (NM_001146077.2, NM_001146078.3).
Identifiers: ClinVar variation 339901 (VCV000339901.6), dbSNP rs188733, ClinGen allele CA10653588.